The following is an entry in ClinVar:

ClinVar aggregate classification (germline): Benign. Review status: criteria provided, multiple submitters, no conflicts (2 of 4 stars). 14 submissions from 14 submitters: Benign (13). 1 of the submissions does not count toward it. Last evaluated 2026-02-04.

Conditions:
Autosomal recessive Alport syndrome (ATS2). Also called: Alport syndrome type 2; ALPORT SYNDROME 2, AUTOSOMAL RECESSIVE; COL4A3-Related Nephropathy; COL4A4 Alport Syndrome and Thin Basement Membrane Nephropathy. Identifiers: Orphanet 63, Orphanet 88919, MedGen C4746745, MONDO:0008762, OMIM 203780.
Benign familial hematuria. Also called: thin basement membrane disease. Identifiers: MedGen C0241908, MONDO:0957317.
Alport syndrome. Also called: Hemorrhagic familial nephritis; Hemorrhagic hereditary nephritis; Congenital hereditary hematuria. Identifiers: Orphanet 63, MedGen C1567741, MONDO:0018965.

Allele frequency attached by ClinVar (database versions not stated): gnomAD 0.46753 and 0.46906; gnomAD exomes 0.47189 and 0.43959; TOPMed 0.46962; 1000 Genomes Project 30x 0.49079; 1000 Genomes Project 0.49181; ExAC 0.46997; ESP Exome Variant Server 0.45464.
gnomAD v4.1: 708,540 of 1,601,552 alleles (44%); highest among the groups gnomAD compares: South Asian, 55%; 159,533 homozygotes.

Submissions (14):

Labcorp Genetics (formerly Invitae), Labcorp
Classification: Benign. Last evaluated: 2026-02-04. Review status: criteria provided, single submitter. Criteria: Invitae Variant Classification Sherloc (09022015). Collection method: clinical testing. Allele origin: germline.

Women's Health and Genetics/Laboratory Corporation of America, LabCorp
Classification: Benign. Last evaluated: 2024-11-29. Review status: criteria provided, single submitter. Criteria: LabCorp Variant Classification Summary - May 2015. Collection method: clinical testing. Allele origin: germline.

Blueprint Genetics
Classification: Benign. Last evaluated: 2024-11-26. Review status: criteria provided, single submitter. Criteria: ACMG Guidelines, 2015. Collection method: clinical testing. Allele origin: germline.

Unidad de Genómica Garrahan, Hospital de Pediatría Garrahan
Classification: Benign. Last evaluated: 2024-07-15. Review status: criteria provided, single submitter. Criteria: ACMG Guidelines, 2015. Collection method: clinical testing. Allele origin: germline. Affected: no. Observed: 52 variant alleles.
Comment: This variant is classified as Benign based on local population frequency. This variant was detected in 56% of patients studied in a panel designed for Epileptic and Developmental Encephalopathy and Progressive Myoclonus Epilepsy. Number of patients: 52. Only high quality variants are reported.

Mayo Clinic Laboratories, Mayo Clinic
Classification: Benign. Last evaluated: 2022-03-09. Review status: criteria provided, single submitter. Criteria: ACMG Guidelines, 2015. Collection method: clinical testing. Allele origin: germline. Observed: 251 variant alleles.

Fulgent Genetics
Classification: Benign for Hematuria, benign familial, 1; Autosomal recessive Alport syndrome. Last evaluated: 2021-10-14. Review status: criteria provided, single submitter. Criteria: ACMG Guidelines, 2015. Collection method: clinical testing. Allele origin: unknown.

Genome-Nilou Lab
Classification: Benign for Autosomal recessive Alport syndrome. Last evaluated: 2021-07-10. Review status: criteria provided, single submitter. Criteria: ACMG Guidelines, 2015. Collection method: clinical testing. Allele origin: germline. Affected: no.

Illumina Laboratory Services, Illumina
Classification: Benign for Alport syndrome. Last evaluated: 2018-01-12. Review status: criteria provided, single submitter. Criteria: ICSL Variant Classification Criteria 13 December 2019. Collection method: clinical testing. Allele origin: germline.
Comment: This variant was observed in the ICSL laboratory as part of a predisposition screen in an ostensibly healthy population. It had not been previously curated by ICSL or reported in the Human Gene Mutation Database (HGMD: prior to June 1st, 2018), and was therefore a candidate for classification through an automated scoring system. Utilizing variant allele frequency, disease prevalence and penetrance estimates, and inheritance mode, an automated score was calculated to assess if this variant is too frequent to cause the disease. Based on the score and internal cut-off values, a variant classified as benign is not then subjected to further curation. The score for this variant resulted in a classification of benign for this disease.

GeneDx
Classification: Benign. Last evaluated: 2017-05-09. Review status: criteria provided, single submitter. Criteria: GeneDx Variant Classification (06012015). Collection method: clinical testing. Allele origin: germline. Affected: yes.
Comment: This variant is considered likely benign or benign based on one or more of the following criteria: it is a conservative change, it occurs at a poorly conserved position in the protein, it is predicted to be benign by multiple in silico algorithms, and/or has population frequency not consistent with disease.

Athena Diagnostics
Classification: Benign. Last evaluated: 2017-04-03. Review status: criteria provided, single submitter. Criteria: Athena Diagnostics Criteria. Collection method: clinical testing. Allele origin: germline.

Laboratory for Molecular Medicine, Mass General Brigham Personalized Medicine
Classification: Benign. Last evaluated: 2016-03-21. Review status: criteria provided, single submitter. Criteria: LMM Criteria. Collection method: clinical testing. Allele origin: germline. Observed: 193 variant alleles.
Comment: p.Pro1360Pro in exon 42 of COL4A4: This variant is not expected to have clinical significance because it has been identified in 55.67% (9183/16494) of South Asi an chromosomes by the Exome Aggregation Consortium (ExAC; dbSNP rs2228556).

Breakthrough Genomics
Classification: Benign. Review status: criteria provided, single submitter. Criteria: ACMG Guidelines, 2015. Collection method: not provided. Allele origin: germline. Inheritance: Autosomal recessive inheritance. Affected: yes.

PreventionGenetics, part of Exact Sciences
Classification: Benign. Review status: criteria provided, single submitter. Criteria: ACMG Guidelines, 2015. Collection method: clinical testing. Allele origin: germline.

Natera, Inc.
Classification: Benign for Alport syndrome. Last evaluated: 2020-09-16. Review status: no assertion criteria provided. Collection method: clinical testing. Allele origin: germline. Not counted in ClinVar's aggregate classification.

NM_000092.5(COL4A4):c.4080G>A (p.Pro1360=)

Gene: COL4A4 (collagen type IV alpha 4 chain; minus strand). Cytogenetic location: 2q36.3.
Variant type: single nucleotide variant.
Coding change: c.4080G>A on transcript NM_000092.5 (MANE Select); coding-DNA position 4080, G replaced by A.
Protein change: p.Pro1360=; no amino-acid change (proline 1360 retained).
Molecular consequence: synonymous variant.
Genome position (GRCh38, 1-based): chr2:227,027,903, C>T on the plus strand (G>A on the coding strand, the complement: COL4A4 is on the minus strand). VCF-style: chr2-227027903-C-T. GRCh37 (hg19) VCF-style: chr2-227892619-C-T.
Other names: p.Pro1360=.
Identifiers: ClinVar variation 255036 (VCV000255036.28), dbSNP rs2228556, ClinGen allele CA2144343.
Genomic context (GRCh38, chr2:227,027,903, plus strand): 5'-AACGATGATCATTTTAGTAAATGTTTAAACAAAATGCTGTATGTAGGTTGGAAGCTCACC[C>T]GGAAGACCAGTGGGCCCTTTTCTCCCTGGAGGTCCAGGTAAACCCTTCTCTCCAGGTGGC-3'
Protein context (NP_000083.3, residues 1350-1370): PPGRKGPTGL[Pro1360=]GPRGEPGPPA